The following is an entry in ClinVar:

ClinVar aggregate classification (germline): Likely benign. Review status: criteria provided, multiple submitters, no conflicts (2 of 4 stars). 3 submissions from 3 submitters: Likely benign (3). Last evaluated 2026-01-21.

Conditions:
SUCLG1-related disorder. Also called: SUCLG1-related condition.
Mitochondrial DNA depletion syndrome 9 (MTDPS9). Also called: SUCLG1-Related Mitochondrial DNA Depletion Syndrome, Encephalomyopathic Form with Methylmalonic Aciduria. Identifiers: Orphanet 17, MedGen C3151476, MONDO:0009504, OMIM 245400.

Allele frequency attached by ClinVar (database versions not stated): ESP Exome Variant Server 0.00038; 1000 Genomes Project 0.00080; 1000 Genomes Project 30x 0.00094.
gnomAD v4.1: 92 of 1,591,532 alleles (0.0058%); highest among the groups gnomAD compares: African/African-American, 0.12%; no homozygotes.

Submissions (3):

PreventionGenetics, part of Exact Sciences
Classification: Likely benign for SUCLG1-related condition. Last evaluated: 2026-01-21. Review status: criteria provided, single submitter. Criteria: ACMG Guidelines, 2015. Collection method: clinical testing. Allele origin: germline.
Comment: This variant is classified as likely benign based on ACMG/AMP sequence variant interpretation guidelines (Richards et al. 2015 PMID: 25741868, with internal and published modifications).

Labcorp Genetics (formerly Invitae), Labcorp
Classification: Likely benign for Mitochondrial DNA depletion syndrome 9. Last evaluated: 2025-09-09. Review status: criteria provided, single submitter. Criteria: Invitae Variant Classification Sherloc (09022015). Collection method: clinical testing. Allele origin: germline.

Blueprint Genetics
Classification: Likely benign. Last evaluated: 2023-05-19. Review status: criteria provided, single submitter. Criteria: ACMG Guidelines, 2015. Collection method: clinical testing. Allele origin: germline.

NM_003849.4(SUCLG1):c.159T>C (p.Asp53=)

Gene: SUCLG1 (succinate-CoA ligase GDP/ADP-forming subunit alpha; minus strand). Cytogenetic location: 2p11.2.
Variant type: single nucleotide variant.
Coding change: c.159T>C on transcript NM_003849.4 (MANE Select); coding-DNA position 159, T replaced by C.
Protein change: p.Asp53=; no amino-acid change (aspartic acid 53 retained).
Molecular consequence: synonymous variant.
Genome position (GRCh38, 1-based): chr2:84,449,691, A>G on the plus strand (T>C on the coding strand, the complement: SUCLG1 is on the minus strand). VCF-style: chr2-84449691-A-G. GRCh37 (hg19) VCF-style: chr2-84676815-A-G.
Other names: c.159T>C (NM_003849.3).
Identifiers: ClinVar variation 1553455 (VCV001553455.10), dbSNP rs138470502, ClinGen allele CA1736410.